The following is an entry in ClinVar:

ClinVar aggregate classification (germline): Uncertain significance (1 of 4 stars; one submission).

Conditions:
Episodic kinesigenic dyskinesia (EKD). Also called: Paroxysmal kinesigenic dyskinesia. Identifiers: Orphanet 98809, MedGen C1868682, MONDO:0044202.

Submission:

Labcorp Genetics (formerly Invitae), Labcorp
Classification: Uncertain significance for Episodic kinesigenic dyskinesia. Last evaluated: 2022-05-04. Review status: criteria provided, single submitter. Criteria: Invitae Variant Classification Sherloc (09022015). Collection method: clinical testing. Allele origin: germline.
Comment: This variant is not present in population databases (gnomAD no frequency). This sequence change replaces valine, which is neutral and non-polar, with leucine, which is neutral and non-polar, at codon 185 of the PRRT2 protein (p.Val185Leu). This variant has not been reported in the literature in individuals affected with PRRT2-related conditions. Algorithms developed to predict the effect of missense changes on protein structure and function are either unavailable or do not agree on the potential impact of this missense change (SIFT: "Deleterious"; PolyPhen-2: "Benign"; Align-GVGD: "Class C0"). In summary, the available evidence is currently insufficient to determine the role of this variant in disease. Therefore, it has been classified as a Variant of Uncertain Significance.

NM_145239.3(PRRT2):c.553G>C (p.Val185Leu)

Genes: MVP-DT (MVP divergent transcript; minus strand), PRRT2 (proline rich transmembrane protein 2; plus strand). Cytogenetic location: 16p11.2.
Variant type: single nucleotide variant.
Coding change: c.553G>C on transcript NM_145239.3 (MANE Select); coding-DNA position 553, G replaced by C.
Protein change: p.Val185Leu; replaces valine 185 with leucine.
Molecular consequence: missense variant.
Genome position (GRCh38, 1-based): chr16:29,813,607, G>C. VCF-style: chr16-29813607-G-C. GRCh37 (hg19) VCF-style: chr16-29824928-G-C.
Other names: c.553G>C, p.Val185Leu (NM_001256442.2, NM_001256443.2); short protein forms V185L.
Identifiers: ClinVar variation 1963326 (VCV001963326.5), dbSNP rs1360138564, ClinGen allele CA395478943.
Genomic context (GRCh38, chr16:29,813,607, plus strand): 5'-GACCCCACCCCTGAGATTCTGTCTGAGAGTGTAGGGGAAAAGCAAGAGAATGGGGCAGTG[G>C]TGCCCCTGCAGGCTGGTGATGGGGAAGAGGGCCCAGCCCCTGAGCCTCACTCACCACCCT-3'
Protein context (NP_660282.2, residues 175-195): VGEKQENGAV[Val185Leu]PLQAGDGEEG